The following is an entry in ClinVar:

ClinVar aggregate classification (germline): Uncertain significance. Review status: criteria provided, multiple submitters, no conflicts (2 of 4 stars). 2 submissions from 2 submitters: Uncertain significance (2). Last evaluated 2023-02-13.

Conditions:
Leber congenital amaurosis 4 (LCA4). Identifiers: MedGen C1858386, MONDO:0011458, OMIM 604393.

Submissions (2):

Labcorp Genetics (formerly Invitae), Labcorp
Classification: Uncertain significance for Leber congenital amaurosis 4. Last evaluated: 2023-02-13. Review status: criteria provided, single submitter. Criteria: Invitae Variant Classification Sherloc (09022015). Collection method: clinical testing. Allele origin: germline.
Comment: This variant has not been reported in the literature in individuals affected with AIPL1-related conditions. This variant is not present in population databases (gnomAD no frequency). This sequence change replaces alanine, which is neutral and non-polar, with valine, which is neutral and non-polar, at codon 266 of the AIPL1 protein (p.Ala266Val). In summary, the available evidence is currently insufficient to determine the role of this variant in disease. Therefore, it has been classified as a Variant of Uncertain Significance. Advanced modeling of protein sequence and biophysical properties (such as structural, functional, and spatial information, amino acid conservation, physicochemical variation, residue mobility, and thermodynamic stability) performed at Invitae indicates that this missense variant is expected to disrupt AIPL1 protein function.

Blueprint Genetics
Classification: Uncertain significance. Last evaluated: 2022-11-01. Review status: criteria provided, single submitter. Criteria: ACMG Guidelines, 2015. Collection method: clinical testing. Allele origin: germline.

NM_014336.5(AIPL1):c.797C>T (p.Ala266Val)

Gene: AIPL1 (AIP like 1 HSP90 co-chaperone; minus strand). Cytogenetic location: 17p13.2.
Variant type: single nucleotide variant.
Coding change: c.797C>T on transcript NM_014336.5 (MANE Select); coding-DNA position 797, C replaced by T.
Protein change: p.Ala266Val; replaces alanine 266 with valine.
Molecular consequence: missense variant. On other transcripts: 3 prime UTR variant (1).
Genome position (GRCh38, 1-based): chr17:6,425,818, G>A on the plus strand (C>T on the coding strand, the complement: AIPL1 is on the minus strand). VCF-style: chr17-6425818-G-A. GRCh37 (hg19) VCF-style: chr17-6329138-G-A.
Other names: c.608C>T, p.Ala203Val (NM_001033054.3); c.617C>T, p.Ala206Val (NM_001033055.3); c.761C>T, p.Ala254Val (NM_001285399.3); c.731C>T, p.Ala244Val (NM_001285400.3); c.725C>T, p.Ala242Val (NM_001285401.3); c.680C>T, p.Ala227Val (NM_001285402.2); c.*768C>T (NM_001285403.4); short protein forms A244V, A206V, A254V, A203V, A266V, A227V, A242V.
Identifiers: ClinVar variation 3001116 (VCV003001116.4), dbSNP rs1447545940, ClinGen allele CA397394904.